The following is an entry in ClinVar:

ClinVar aggregate classification (germline): Uncertain significance (1 of 4 stars; one submission).

Allele frequency attached by ClinVar (database versions not stated): TOPMed 0.00001.
gnomAD v4.1: 11 of 1,614,174 alleles (0.00068%); highest among the groups gnomAD compares: East Asian, 0.022%; no homozygotes.

Submission:

Labcorp Genetics (formerly Invitae), Labcorp
Classification: Uncertain significance. Last evaluated: 2023-11-05. Review status: criteria provided, single submitter. Criteria: Invitae Variant Classification Sherloc (09022015). Collection method: clinical testing. Allele origin: germline.
Comment: This sequence change replaces methionine, which is neutral and non-polar, with threonine, which is neutral and polar, at codon 25 of the MYLK3 protein (p.Met25Thr). This variant is present in population databases (rs769194956, gnomAD 0.03%). This variant has not been reported in the literature in individuals affected with MYLK3-related conditions. Algorithms developed to predict the effect of missense changes on protein structure and function output the following: SIFT: "Not Available"; PolyPhen-2: "Benign"; Align-GVGD: "Not Available". The threonine amino acid residue is found in multiple mammalian species, which suggests that this missense change does not adversely affect protein function. In summary, the available evidence is currently insufficient to determine the role of this variant in disease. Therefore, it has been classified as a Variant of Uncertain Significance.

NM_182493.3(MYLK3):c.74T>C (p.Met25Thr)

Gene: MYLK3 (myosin light chain kinase 3; minus strand). Cytogenetic location: 16q11.2.
Variant type: single nucleotide variant.
Coding change: c.74T>C on transcript NM_182493.3 (MANE Select); coding-DNA position 74, T replaced by C.
Protein change: p.Met25Thr; replaces methionine 25 with threonine.
Molecular consequence: missense variant. On other transcripts: intron variant (1).
Genome position (GRCh38, 1-based): chr16:46,748,120, A>G on the plus strand (T>C on the coding strand, the complement: MYLK3 is on the minus strand). VCF-style: chr16-46748120-A-G. GRCh37 (hg19) VCF-style: chr16-46782032-A-G.
Other names: c.-113-7973T>C (NM_001308301.1); short protein forms M25T.
Identifiers: ClinVar variation 2975134 (VCV002975134.3), dbSNP rs769194956, ClinGen allele CA8038331.
Genomic context (GRCh38, chr16:46,748,120, plus strand): 5'-TCTTCTTGGAAGTGCAGGAGCTGGTCCACCTTCTCGTTCAGCATGTTCAGCTTTGTGTCC[A>G]TGGTTGTTAAGCAGGTCTTGCCCAACCCTGGCAGCCCCCCATGCCCCAGACTCTCCTTGG-3'
Protein context (NP_872299.2, residues 15-35): PGLGKTCLTT[Met25Thr]DTKLNMLNEK